The following is an entry in ClinVar:

ClinVar aggregate classification (germline): Uncertain significance (1 of 4 stars; one submission).

Conditions:
Dystonic disorder. Also called: Dystonia. Identifiers: MedGen C0013421, MONDO:0003441, HP:0001332.

Submission:

Labcorp Genetics (formerly Invitae), Labcorp
Classification: Uncertain significance for Dystonic disorder. Last evaluated: 2025-07-05. Review status: criteria provided, single submitter. Criteria: Invitae Variant Classification Sherloc (09022015). Collection method: clinical testing. Allele origin: germline.
Comment: This variant, c.113_130dup, results in the insertion of 6 amino acid(s) of the CIZ1 protein (p.Leu38_Gln43dup), but otherwise preserves the integrity of the reading frame. This variant is present in population databases (no rsID available, gnomAD 0.006%). This variant has not been reported in the literature in individuals affected with CIZ1-related conditions. In summary, the available evidence is currently insufficient to determine the role of this variant in disease. Therefore, it has been classified as a Variant of Uncertain Significance.

NM_001131016.2(CIZ1):c.113_130dup (p.Gln43_Gln44insLeuGlnGlnLeuLeuGln)

Gene: CIZ1 (CDKN1A interacting zinc finger protein 1; minus strand). Cytogenetic location: 9q34.11.
Variant type: Duplication.
Coding change: c.113_130dup on transcript NM_001131016.2 (MANE Select); coding-DNA positions 113 to 130, 18 bases duplicated (TCCAGCAGCTGCTCCAGC).
Protein change: p.Gln43_Gln44insLeuGlnGlnLeuLeuGln.
Molecular consequence: inframe insertion. On other transcripts: 5 prime UTR variant (1).
Genome position (GRCh38, 1-based): chr9:128,190,728-128,190,745, GCTGGAGCAGCTGCTGGA duplicated on the plus strand (TCCAGCAGCTGCTCCAGC on the coding strand, the reverse complement: CIZ1 is on the minus strand); duplicating any 18 consecutive bases within chr9:128,190,728-128,190,749 gives the same sequence; the c. name uses the placement nearest the transcript's 3' end. VCF-style (leftmost placement, unchanged base first): chr9-128190727-T-TGCTGGAGCAGCTGCTGGA. GRCh37 (hg19) VCF-style: chr9-130953006-T-TGCTGGAGCAGCTGCTGGA.
Other names: c.113_130dup, p.Gln43_Gln44insLeuGlnGlnLeuLeuGln (NM_001131015.2, NM_001131017.2, NM_001131018.2 and 1 more transcripts); c.203_220dup, p.Gln73_Gln74insLeuGlnGlnLeuLeuGln (NM_001257975.2); c.-75_-58dup (NM_001257976.2).
Identifiers: ClinVar variation 4811091 (VCV004811091.1).